The following is an entry in ClinVar:

ClinVar aggregate classification (germline): Uncertain significance (1 of 4 stars; one submission).

Conditions:
RAD23B-related disorder. Also called: RAD23B-related condition.

Submission:

PreventionGenetics, part of Exact Sciences
Classification: Uncertain significance for RAD23B-related condition. Last evaluated: 2025-07-30. Review status: criteria provided, single submitter. Criteria: ACMG Guidelines, 2015. Collection method: clinical testing. Allele origin: germline.
Comment: The RAD23B c.19A>G variant is predicted to result in the amino acid substitution p.Thr7Ala. To our knowledge, this variant has not been reported in the literature or in a large population database (gnomAD), indicating this variant is rare. At this time, the clinical significance of this variant is uncertain due to the absence of conclusive functional and genetic evidence.

NM_002874.5(RAD23B):c.19A>G (p.Thr7Ala)

Genes: RAD23B (RAD23 nucleotide excision repair protein B; plus strand), LOC130002296 (ATAC-STARR-seq lymphoblastoid silent region 20156; plus strand). Cytogenetic location: 9q31.2.
Variant type: single nucleotide variant.
Coding change: c.19A>G on transcript NM_002874.5 (MANE Select); coding-DNA position 19, A replaced by G.
Protein change: p.Thr7Ala; replaces threonine 7 with alanine.
Molecular consequence: missense variant.
Genome position (GRCh38, 1-based): chr9:107,283,648, A>G. VCF-style: chr9-107283648-A-G. GRCh37 (hg19) VCF-style: chr9-110045929-A-G.
Other names: short protein forms T7A.
Identifiers: ClinVar variation 5001611 (VCV005001611.1).